The following is an entry in ClinVar:

ClinVar aggregate classification (germline): Benign/Likely benign. Review status: criteria provided, multiple submitters, no conflicts (2 of 4 stars). 3 submissions from 3 submitters: Benign (1); Likely benign (2). Last evaluated 2026-08-16.

Conditions:
ROBO2-related disorder. Also called: ROBO2-related condition.

Allele frequency attached by ClinVar (database versions not stated): 1000 Genomes Project 30x 0.00016; TOPMed 0.00018; 1000 Genomes Project 0.00020; gnomAD 0.00021; ExAC 0.00022; ESP Exome Variant Server 0.00025.
gnomAD v4.1: 325 of 1,608,518 alleles (0.02%); highest among the groups gnomAD compares: African/African-American, 0.023%; no homozygotes.

Submissions (3):

PreventionGenetics, part of Exact Sciences
Classification: Likely benign for ROBO2-related condition. Last evaluated: 2026-08-16. Review status: criteria provided, single submitter. Criteria: ACMG Guidelines, 2015. Collection method: clinical testing. Allele origin: germline.
Comment: This variant is classified as likely benign based on ACMG/AMP sequence variant interpretation guidelines (Richards et al. 2015 PMID: 25741868, with internal and published modifications).

Labcorp Genetics (formerly Invitae), Labcorp
Classification: Benign. Last evaluated: 2025-12-23. Review status: criteria provided, single submitter. Criteria: Invitae Variant Classification Sherloc (09022015). Collection method: clinical testing. Allele origin: germline.

Blueprint Genetics
Classification: Likely benign. Last evaluated: 2024-09-17. Review status: criteria provided, single submitter. Criteria: ACMG Guidelines, 2015. Collection method: clinical testing. Allele origin: germline.

NM_001395656.1(ROBO2):c.822C>T (p.Asp274=)

Gene: ROBO2 (roundabout guidance receptor 2; plus strand). Cytogenetic location: 3p12.3.
Variant type: single nucleotide variant.
Coding change: c.822C>T on transcript NM_001395656.1 (MANE Select); coding-DNA position 822, C replaced by T.
Protein change: p.Asp274=; no amino-acid change (aspartic acid 274 retained).
Molecular consequence: synonymous variant. On other transcripts: 5 prime UTR variant (1).
Genome position (GRCh38, 1-based): chr3:77,522,790, C>T. VCF-style: chr3-77522790-C-T. GRCh37 (hg19) VCF-style: chr3-77571941-C-T.
Other names: c.870C>T, p.Asp290= (NM_001128929.3, NM_001378190.1, NM_001378191.1 and 5 more transcripts); c.822C>T, p.Asp274= (NM_001290039.2, NM_001290040.2, NM_001378193.1 and 3 more transcripts); c.-1097C>T (NM_001290065.2); c.891C>T, p.Asp297= (NM_001378192.1, NM_001378194.1, NM_001378198.1 and 5 more transcripts).
Identifiers: ClinVar variation 2885337 (VCV002885337.5), dbSNP rs201344460, ClinGen allele CA2496862.